The following is an entry in ClinVar:

NM_001282225.2(ADA2):c.1176C>T (p.Pro392=)

Gene: ADA2 (adenosine deaminase 2; minus strand). Cytogenetic location: 22q11.1.
Variant type: single nucleotide variant.
Coding change: c.1176C>T on transcript NM_001282225.2 (MANE Select); coding-DNA position 1176, C replaced by T.
Protein change: p.Pro392=; no amino-acid change (proline 392 retained).
Molecular consequence: synonymous variant.
Genome position (GRCh38, 1-based): chr22:17,182,667, G>A on the plus strand (C>T on the coding strand, the complement: ADA2 is on the minus strand). VCF-style: chr22-17182667-G-A. GRCh37 (hg19) VCF-style: chr22-17663557-G-A.
Other names: c.1176C>T (NM_001282225.1); c.1176C>T, p.Pro392= (NM_001282226.2); c.1050C>T, p.Pro350= (NM_001282227.2, NM_001282228.2); c.816C>T, p.Pro272= (NM_001282229.2); c.453C>T, p.Pro151= (NM_177405.3).
Identifiers: ClinVar variation 1614392 (VCV001614392.10), dbSNP rs367563832, ClinGen allele CA10087935.

ClinVar aggregate classification (germline): Likely benign. Review status: criteria provided, single submitter (1 of 4 stars). 2 submissions from 2 submitters: Likely benign (1). 1 of the submissions does not count toward it. Last evaluated 2025-12-22.

Conditions:
ADA2-related disorder. Also called: ADA2-related condition.
Deficiency of adenosine deaminase 2. Also called: Polyarteritis nodosa, childhoood-onset; Adenosine Deaminase 2 Deficiency; VASCULITIS, AUTOINFLAMMATION, IMMUNODEFICIENCY, AND HEMATOLOGIC DEFECTS SYNDROME. Identifiers: Orphanet 404553, MedGen C3887654, MONDO:0014306, OMIM 615688, MONDO:0100317.

Allele frequency attached by ClinVar (database versions not stated): gnomAD exomes below 0.00001 and 0.00001; ExAC 0.00001; gnomAD 0.00004; TOPMed 0.00004; ESP Exome Variant Server 0.00008.
gnomAD v4.1: 26 of 1,613,996 alleles (0.0016%); highest among the groups gnomAD compares: African/African-American, 0.008%; no homozygotes.

Submissions (2):

Labcorp Genetics (formerly Invitae), Labcorp
Classification: Likely benign for Deficiency of adenosine deaminase 2. Last evaluated: 2025-12-22. Review status: criteria provided, single submitter. Criteria: Invitae Variant Classification Sherloc (09022015). Collection method: clinical testing. Allele origin: germline.

PreventionGenetics, part of Exact Sciences
Classification: Likely benign for ADA2-related condition. Last evaluated: 2019-04-11. Review status: no assertion criteria provided. Collection method: clinical testing. Allele origin: germline. Not counted in ClinVar's aggregate classification.
Comment: This variant is classified as likely benign based on ACMG/AMP sequence variant interpretation guidelines (Richards et al. 2015 PMID: 25741868, with internal and published modifications).